The following is an entry in ClinVar:

NM_006206.6(PDGFRA):c.1057A>T (p.Asn353Tyr)

Gene: PDGFRA (platelet derived growth factor receptor alpha; plus strand). Cytogenetic location: 4q12.
Variant type: single nucleotide variant.
Coding change: c.1057A>T on transcript NM_006206.6 (MANE Select); coding-DNA position 1057, A replaced by T.
Protein change: p.Asn353Tyr; replaces asparagine 353 with tyrosine.
Molecular consequence: missense variant.
Genome position (GRCh38, 1-based): chr4:54,267,677, A>T. VCF-style: chr4-54267677-A-T. GRCh37 (hg19) VCF-style: chr4-55133844-A-T.
Other names: c.1057A>T, p.Asn353Tyr (NM_001347827.2, NM_001347829.2); c.1132A>T, p.Asn378Tyr (NM_001347828.2); c.1096A>T, p.Asn366Tyr (NM_001347830.2); short protein forms N353Y, N366Y, N378Y.
Identifiers: ClinVar variation 568803 (VCV000568803.10), dbSNP rs139103850, ClinGen allele CA356891704.

ClinVar aggregate classification (germline): Uncertain significance. Review status: criteria provided, multiple submitters, no conflicts (2 of 4 stars). 2 submissions from 2 submitters: Uncertain significance (2). Last evaluated 2026-06-26.

Conditions:
Hereditary cancer-predisposing syndrome. Also called: Hereditary Cancer Syndrome; Tumor predisposition; Hereditary neoplastic syndrome; Neoplastic Syndromes, Hereditary. Identifiers: Orphanet 140162, MedGen C0027672, MeSH D009386, MONDO:0015356.
Gastrointestinal stromal tumor. Also called: Gastrointestinal stroma tumor; Gastrointestinal stromal tumor, somatic. Identifiers: Orphanet 44890, MedGen C0238198, MeSH D046152, MONDO:0011719, OMIM 606764, HP:0100723.

Submissions (2):

Ambry Genetics
Classification: Uncertain significance for Hereditary cancer-predisposing syndrome. Last evaluated: 2026-06-26. Review status: criteria provided, single submitter. Criteria: Ambry Variant Classification Scheme 2023. Collection method: clinical testing. Allele origin: germline.
Comment: The p.N353Y variant (also known as c.1057A>T), located in coding exon 6 of the PDGFRA gene, results from an A to T substitution at nucleotide position 1057. The asparagine at codon 353 is replaced by tyrosine, an amino acid with dissimilar properties. This amino acid position is well conserved in available vertebrate species. In addition, this alteration is predicted to be tolerated by in silico analysis. Based on the available evidence, the clinical significance of this variant remains unclear.

Labcorp Genetics (formerly Invitae), Labcorp
Classification: Uncertain significance for Gastrointestinal stromal tumor. Last evaluated: 2026-02-03. Review status: criteria provided, single submitter. Criteria: Invitae Variant Classification Sherloc (09022015). Collection method: clinical testing. Allele origin: germline.
Comment: This sequence change replaces asparagine, which is neutral and polar, with tyrosine, which is neutral and polar, at codon 353 of the PDGFRA protein (p.Asn353Tyr). This variant is present in population databases (no rsID available, gnomAD 0.0009%). This variant has not been reported in the literature in individuals affected with PDGFRA-related conditions. ClinVar contains an entry for this variant (Variation ID: 568803). Invitae Evidence Modeling of protein sequence and biophysical properties (such as structural, functional, and spatial information, amino acid conservation, physicochemical variation, residue mobility, and thermodynamic stability) indicates that this missense variant is not expected to disrupt PDGFRA protein function with a negative predictive value of 80%. In summary, the available evidence is currently insufficient to determine the role of this variant in disease. Therefore, it has been classified as a Variant of Uncertain Significance.